The following is an entry in ClinVar:

NM_000322.5(PRPH2):c.897dup (p.Glu300Ter)

Gene: PRPH2 (peripherin 2; minus strand). Cytogenetic location: 6p21.1.
Variant type: Duplication.
Coding change: c.897dup on transcript NM_000322.5 (MANE Select); coding-DNA position 897, one base duplicated (T; older notation c.897dupT).
Protein change: p.Glu300Ter; replaces glutamic acid 300 with a stop codon.
Molecular consequence: nonsense.
Genome position (GRCh38, 1-based): chr6:42,698,439, A duplicated on the plus strand (T on the coding strand, the reverse complement: PRPH2 is on the minus strand). VCF-style (leftmost placement, unchanged base first): chr6-42698438-C-CA. GRCh37 (hg19) VCF-style: chr6-42666176-C-CA.
Other names: short protein forms E300*.
Identifiers: ClinVar variation 2699612 (VCV002699612.3), dbSNP rs2548298363, ClinGen allele CA2697553353.
Genomic context (GRCh38, chr6:42,698,438, plus strand): 5'-GAAAGGCCTTCCAGGTCTCCGGCACGCTCCTCTCCAGCAGCCAGCCCTGGCTCTCGCTCT[C>CA]AGATTCCTCGGGGTTGGACACACCATCCAGCGACGTCTGTAGGTAGCGCAGCCCAATTGT-3'

ClinVar aggregate classification (germline): Pathogenic (1 of 4 stars; one submission).

Conditions:
PRPH2-related disorder. Also called: PRPH2-related condition; PRPH2-related disorders. Identifiers: MedGen CN239395.

Submission:

Labcorp Genetics (formerly Invitae), Labcorp
Classification: Pathogenic for PRPH2-related disorder. Last evaluated: 2025-11-24. Review status: criteria provided, single submitter. Criteria: Invitae Variant Classification Sherloc (09022015). Collection method: clinical testing. Allele origin: germline.
Comment: This sequence change creates a premature translational stop signal (p.Glu300*) in the PRPH2 gene. While this is not anticipated to result in nonsense mediated decay, it is expected to disrupt the last 47 amino acid(s) of the PRPH2 protein. This variant is not present in population databases (gnomAD no frequency). This premature translational stop signal has been observed in individual(s) with retinal dystrophies (PMID: 38743414). ClinVar contains an entry for this variant (Variation ID: 2699612). This variant disrupts a region of the PRPH2 protein in which other variant(s) (p.Val332Glu) have been determined to be pathogenic (PMID: 30718709, 32531846; internal data). This suggests that this is a clinically significant region of the protein, and that variants that disrupt it are likely to be disease-causing. For these reasons, this variant has been classified as Pathogenic.

Literature cited by the submitters: PubMed 38743414; PubMed 30718709; PubMed 32531846.